The following is an entry in ClinVar:

ClinVar aggregate classification (germline): Uncertain significance (1 of 4 stars; one submission).

Submission:

GeneDx
Classification: Uncertain significance. Last evaluated: 2026-02-04. Review status: criteria provided, single submitter. Criteria: GeneDx Variant Classification Process June 2021. Collection method: clinical testing. Allele origin: germline.
Comment: Not observed at significant frequency in large population cohorts (gnomAD); In silico analysis supports a deleterious effect on splicing; Has not been previously published as pathogenic or benign to our knowledge

NM_005499.3(UBA2):c.1401+5G>A

Gene: UBA2 (ubiquitin like modifier activating enzyme 2; plus strand). Cytogenetic location: 19q13.11.
Variant type: single nucleotide variant.
Coding change: c.1401+5G>A on transcript NM_005499.3 (MANE Select); 5 bases into the intron after coding-DNA position 1401, G replaced by A.
Molecular consequence: intron variant.
Genome position (GRCh38, 1-based): chr19:34,458,929, G>A. VCF-style: chr19-34458929-G-A. GRCh37 (hg19) VCF-style: chr19-34949834-G-A.
Other names: c.1113+5G>A (NM_001411139.1).
Identifiers: ClinVar variation 4975997 (VCV004975997.1).